The following is an entry in ClinVar:

NM_031157.4(HNRNPA1):c.1111A>G (p.Arg371Gly)

Gene: HNRNPA1 (heterogeneous nuclear ribonucleoprotein A1; plus strand). Cytogenetic location: 12q13.13.
Variant type: single nucleotide variant.
Coding change: c.1111A>G on transcript NM_031157.4 (MANE Select); coding-DNA position 1111, A replaced by G.
Protein change: p.Arg371Gly; replaces arginine 371 with glycine.
Molecular consequence: missense variant. On other transcripts: non-coding transcript variant (1).
Genome position (GRCh38, 1-based): chr12:54,284,305, A>G. VCF-style: chr12-54284305-A-G. GRCh37 (hg19) VCF-style: chr12-54678089-A-G.
Other names: c.955A>G, p.Arg319Gly (NM_002136.4); short protein forms R371G, R319G.
Identifiers: ClinVar variation 135614 (VCV000135614.2), dbSNP rs3206707, ClinGen allele CA163101.

ClinVar aggregate classification (germline): Likely benign (0 of 4 stars; one submission).

Conditions:
Relapsing remitting multiple sclerosis. Identifiers: MedGen C0751967, MONDO:0005314.

Submission:

Demyelinating Disease Laboratories, VA Medical Center and University of Tennessee
Classification: Likely benign. Review status: no assertion criteria provided. Collection method: not provided. Allele origin: somatic.
ClinVar note: Converted during submission from probable-non-pathogenic to Likely benign.